The following is an entry in ClinVar:

ClinVar aggregate classification (germline): Benign/Likely benign. Review status: criteria provided, multiple submitters, no conflicts (2 of 4 stars). 4 submissions from 4 submitters: Benign (1); Likely benign (3). Last evaluated 2025-05-13.

Conditions:
Familial thoracic aortic aneurysm and aortic dissection (TAAD). Also called: Thoracic aortic aneurysms and dissections. Identifiers: Orphanet 91387, MedGen C4707243, MONDO:0019625.
Ehlers-Danlos syndrome, type 4 (EDSVASC). Also called: Ehlers-Danlos syndrome vascular type; Ehlers Danlos syndrome, ecchymotic type; Ehlers Danlos syndrome, arterial type; Ehlers Danlos syndrome, Sack-Barabas type; Ehlers-Danlos Syndrome Type IV. Identifiers: Orphanet 286, MedGen C0268338, MONDO:0017314, OMIM 130050.

gnomAD v4.1: 86 of 1,614,020 alleles (0.0053%); highest among the groups gnomAD compares: South Asian, 0.08%; no homozygotes.

Submissions (4):

Labcorp Genetics (formerly Invitae), Labcorp
Classification: Likely benign for Ehlers-Danlos syndrome, type 4. Last evaluated: 2025-05-13. Review status: criteria provided, single submitter. Criteria: Invitae Variant Classification Sherloc (09022015). Collection method: clinical testing. Allele origin: germline.

All of Us Research Program, National Institutes of Health
Classification: Likely benign for Ehlers-Danlos syndrome, type 4. Last evaluated: 2024-01-03. Review status: criteria provided, single submitter. Criteria: ACMG Guidelines, 2015. Collection method: clinical testing. Allele origin: germline. Inheritance: Autosomal dominant inheritance. Observed: 6 variant alleles, 6 heterozygotes.
Comment: This study involves interpretation of variants in research participants for the purpose of population health screening. Participant phenotype was not available at the time of variant classification. Additional details can be found in publication PMID: 35346344, PMCID: PMC8962531

Ambry Genetics
Classification: Benign for Familial thoracic aortic aneurysm and aortic dissection. Last evaluated: 2023-09-29. Review status: criteria provided, single submitter. Criteria: Ambry Variant Classification Scheme 2023. Collection method: clinical testing. Allele origin: germline.

Color Diagnostics, LLC DBA Color Health
Classification: Likely benign for Familial thoracic aortic aneurysm and aortic dissection. Last evaluated: 2021-01-12. Review status: criteria provided, single submitter. Criteria: ACMG Guidelines, 2015. Collection method: clinical testing. Allele origin: germline.

NM_000090.4(COL3A1):c.1337G>A (p.Arg446His)

Gene: COL3A1 (collagen type III alpha 1 chain; plus strand). Cytogenetic location: 2q32.2.
Variant type: single nucleotide variant.
Coding change: c.1337G>A on transcript NM_000090.4 (MANE Select); coding-DNA position 1337, G replaced by A.
Protein change: p.Arg446His; replaces arginine 446 with histidine.
Molecular consequence: missense variant.
Genome position (GRCh38, 1-based): chr2:188,994,584, G>A. VCF-style: chr2-188994584-G-A. GRCh37 (hg19) VCF-style: chr2-189859310-G-A.
Other names: short protein forms R446H.
Identifiers: ClinVar variation 459762 (VCV000459762.16), dbSNP rs149852181, ClinGen allele CA074160.